The following is an entry in ClinVar:

NM_001379451.1(BCORL1):c.4146C>A (p.Asn1382Lys)

Gene: BCORL1 (BCL6 corepressor like 1; plus strand). Cytogenetic location: Xq26.1.
Variant type: single nucleotide variant.
Coding change: c.4146C>A on transcript NM_001379451.1 (MANE Select); coding-DNA position 4146, C replaced by A.
Protein change: p.Asn1382Lys; replaces asparagine 1382 with lysine.
Molecular consequence: missense variant.
Genome position (GRCh38, 1-based): chrX:130,028,702, C>A. VCF-style: chrX-130028702-C-A. GRCh37 (hg19) VCF-style: chrX-129162677-C-A.
Other names: c.4146C>A, p.Asn1382Lys (NM_001184772.3, NM_001379450.1, NM_021946.5); short protein forms N1382K.
Identifiers: ClinVar variation 2661423 (VCV002661423.25), dbSNP rs746063839, ClinGen allele CA10514648.

ClinVar aggregate classification (germline): Likely benign. Review status: criteria provided, single submitter (1 of 4 stars). 2 submissions from 2 submitters: Likely benign (1). 1 of the submissions does not count toward it. Last evaluated 2025-10-01.

Conditions:
BCORL1-related disorder. Also called: BCORL1-related condition.

Allele frequency attached by ClinVar (database versions not stated): TOPMed 0.00018; gnomAD 0.00020; ExAC 0.00029.
gnomAD v4.1: 215 of 1,208,365 alleles (0.018%); highest among the groups gnomAD compares: Middle Eastern, 0.069%; no homozygotes.

Submissions (2):

CeGaT Center for Human Genetics Tuebingen
Classification: Likely benign. Last evaluated: 2025-10-01. Review status: criteria provided, single submitter. Criteria: CeGaT Center For Human Genetics Tuebingen Variant Classification Criteria Version 2. Collection method: clinical testing. Allele origin: germline. Affected: yes. Observed: 2 variant alleles.
Comment: BCORL1: BP4, BS2

PreventionGenetics, part of Exact Sciences
Classification: Likely benign for BCORL1-related condition. Last evaluated: 2021-02-23. Review status: no assertion criteria provided. Collection method: clinical testing. Allele origin: germline. Not counted in ClinVar's aggregate classification.
Comment: This variant is classified as likely benign based on ACMG/AMP sequence variant interpretation guidelines (Richards et al. 2015 PMID: 25741868, with internal and published modifications).